The following is an entry in ClinVar:

ClinVar aggregate classification (germline): Uncertain significance. Review status: criteria provided, single submitter (1 of 4 stars). 2 submissions from 2 submitters: Uncertain significance (1). 1 of the submissions does not count toward it. Last evaluated 2022-08-13.

Conditions:
C9-related disorder. Also called: C9-related condition.

Allele frequency attached by ClinVar (database versions not stated): gnomAD exomes 0.00003 and 0.00011; ExAC 0.00019; gnomAD 0.00046 and 0.00047; TOPMed 0.00049; ESP Exome Variant Server 0.00062; 1000 Genomes Project 30x 0.00109; 1000 Genomes Project 0.00140.
gnomAD v4.1: 124 of 1,614,150 alleles (0.0077%); highest among the groups gnomAD compares: African/African-American, 0.14%; no homozygotes.

Submissions (2):

Labcorp Genetics (formerly Invitae), Labcorp
Classification: Uncertain significance. Last evaluated: 2022-08-13. Review status: criteria provided, single submitter. Criteria: Invitae Variant Classification Sherloc (09022015). Collection method: clinical testing. Allele origin: germline.
Comment: This sequence change replaces proline, which is neutral and non-polar, with threonine, which is neutral and polar, at codon 141 of the C9 protein (p.Pro141Thr). This variant is present in population databases (rs141153047, gnomAD 0.2%). This variant has not been reported in the literature in individuals affected with C9-related conditions. ClinVar contains an entry for this variant (Variation ID: 1361003). Algorithms developed to predict the effect of missense changes on protein structure and function are either unavailable or do not agree on the potential impact of this missense change (SIFT: "Not Available"; PolyPhen-2: "Possibly Damaging"; Align-GVGD: "Not Available"). In summary, the available evidence is currently insufficient to determine the role of this variant in disease. Therefore, it has been classified as a Variant of Uncertain Significance.

PreventionGenetics, part of Exact Sciences
Classification: Likely benign for C9-related condition. Last evaluated: 2024-01-29. Review status: no assertion criteria provided. Collection method: clinical testing. Allele origin: germline. Not counted in ClinVar's aggregate classification.
Comment: This variant is classified as likely benign based on ACMG/AMP sequence variant interpretation guidelines (Richards et al. 2015 PMID: 25741868, with internal and published modifications).

NM_001737.5(C9):c.421C>A (p.Pro141Thr)

Gene: C9 (complement C9; minus strand). Cytogenetic location: 5p13.1.
Variant type: single nucleotide variant.
Coding change: c.421C>A on transcript NM_001737.5 (MANE Select); coding-DNA position 421, C replaced by A.
Protein change: p.Pro141Thr; replaces proline 141 with threonine.
Molecular consequence: missense variant.
Genome position (GRCh38, 1-based): chr5:39,341,201, G>T on the plus strand (C>A on the coding strand, the complement: C9 is on the minus strand). VCF-style: chr5-39341201-G-T. GRCh37 (hg19) VCF-style: chr5-39341303-G-T.
Other names: c.421C>A (NM_001737.4); short protein forms P141T.
Identifiers: ClinVar variation 1361003 (VCV001361003.5), dbSNP rs141153047, ClinGen allele CA3247015.